The following is an entry in ClinVar:

NM_000257.4(MYH7):c.4374G>C (p.Gln1458His)

Genes: MHRT (myosin heavy chain associated RNA transcript; plus strand), MYH7 (myosin heavy chain 7; minus strand). Cytogenetic location: 14q11.2.
Variant type: single nucleotide variant.
Coding change: c.4374G>C on transcript NM_000257.4 (MANE Select); coding-DNA position 4374, G replaced by C.
Protein change: p.Gln1458His; replaces glutamine 1458 with histidine.
Molecular consequence: missense variant. On other transcripts: non-coding transcript variant (1).
Genome position (GRCh38, 1-based): chr14:23,417,298, C>G on the plus strand (G>C on the coding strand, the complement: MYH7 is on the minus strand). VCF-style: chr14-23417298-C-G. GRCh37 (hg19) VCF-style: chr14-23886507-C-G.
Other names: c.4374G>C, p.Gln1458His (NM_001407004.1); short protein forms Q1458H.
Identifiers: ClinVar variation 3072210 (VCV003072210.1), dbSNP rs2502250353, ClinGen allele CA389038834.

ClinVar aggregate classification (germline): Uncertain significance (1 of 4 stars; one submission).

Conditions:
Cardiomyopathy (CMYO). Also called: Cardiomyopathies. Identifiers: Orphanet 167848, MedGen C0878544, MONDO:0004994, HP:0001638. Inheritance: Various modes of inheritance.

Allele frequency attached by ClinVar (database versions not stated): gnomAD exomes below 0.00001.

Submission:

All of Us Research Program, National Institutes of Health
Classification: Uncertain significance for Cardiomyopathy. Last evaluated: 2023-06-26. Review status: criteria provided, single submitter. Criteria: ACMG Guidelines, 2015. Collection method: clinical testing. Allele origin: germline. Inheritance: Autosomal dominant inheritance. Observed: 1 variant allele, 1 heterozygote.
Comment: This missense variant replaces glutamine with histidine at codon 1458 of the MYH7 protein. Computational prediction is inconclusive regarding the impact of this variant on protein structure and function (internally defined REVEL score threshold 0.5 < inconclusive < 0.7, PMID: 27666373). To our knowledge, functional studies have not been reported for this variant. This variant has not been reported in individuals affected with MYH7-related disorders in the literature. This variant has not been identified in the general population by the Genome Aggregation Database (gnomAD). The available evidence is insufficient to determine the role of this variant in disease conclusively. Therefore, this variant is classified as a Variant of Uncertain Significance.

This study involves interpretation of variants in research participants for the purpose of population health screening. Participant phenotype was not available at the time of variant classification. Additional details can be found in publication PMID: 35346344, PMCID: PMC8962531